The following is an entry in ClinVar:

ClinVar aggregate classification (germline): Pathogenic (1 of 4 stars; one submission).

Submission:

Labcorp Genetics (formerly Invitae), Labcorp
Classification: Pathogenic. Last evaluated: 2025-01-19. Review status: criteria provided, single submitter. Criteria: Invitae Variant Classification Sherloc (09022015). Collection method: clinical testing. Allele origin: germline.
Comment: This sequence change creates a premature translational stop signal (p.Cys324*) in the MBD4 gene. It is expected to result in an absent or disrupted protein product. Loss-of-function variants in MBD4 are known to be pathogenic (PMID: 30049810, 35460607). This variant is not present in population databases (gnomAD no frequency). This variant has not been reported in the literature in individuals affected with MBD4-related conditions. For these reasons, this variant has been classified as Pathogenic.

Literature cited by the submitters: PubMed 30049810; PubMed 35460607.

NM_001276270.2(MBD4):c.972T>A (p.Cys324Ter)

Gene: MBD4 (methyl-CpG binding domain 4, DNA glycosylase; minus strand). Cytogenetic location: 3q21.3.
Variant type: single nucleotide variant.
Coding change: c.972T>A on transcript NM_001276270.2 (MANE Select); coding-DNA position 972, T replaced by A.
Protein change: p.Cys324Ter; replaces cysteine 324 with a stop codon.
Molecular consequence: nonsense. On other transcripts: intron variant (1).
Genome position (GRCh38, 1-based): chr3:129,436,672, A>T on the plus strand (T>A on the coding strand, the complement: MBD4 is on the minus strand). VCF-style: chr3-129436672-A-T. GRCh37 (hg19) VCF-style: chr3-129155515-A-T.
Other names: c.972T>A, p.Cys324Ter (NM_001276271.2, NM_001276272.2, NM_003925.3); c.247+1136T>A (NM_001276273.2); short protein forms C324*.
Identifiers: ClinVar variation 3729158 (VCV003729158.2).
Genomic context (GRCh38, chr3:129,436,672, plus strand): 5'-GTGTTCTGAGTCTTTGGCTGAACAAAATTTGTTTATGATGCCAGAAGTTTTTTGTTCAGA[A>T]CAAAAATTTGATCCTGAACTCAATGATCTTTCTTTTTTTTTTACAAGGCTGTTTTCTTCA-3'